The following is an entry in ClinVar:

NM_001297.5(CNGB1):c.3421G>A (p.Ala1141Thr)

Gene: CNGB1 (cyclic nucleotide gated channel subunit beta 1; minus strand). Cytogenetic location: 16q21.
Variant type: single nucleotide variant.
Coding change: c.3421G>A on transcript NM_001297.5 (MANE Select); coding-DNA position 3421, G replaced by A.
Protein change: p.Ala1141Thr; replaces alanine 1141 with threonine.
Molecular consequence: missense variant.
Genome position (GRCh38, 1-based): chr16:57,887,896, C>T on the plus strand (G>A on the coding strand, the complement: CNGB1 is on the minus strand). VCF-style: chr16-57887896-C-T. GRCh37 (hg19) VCF-style: chr16-57921800-C-T.
Other names: c.3403G>A, p.Ala1135Thr (NM_001286130.2); short protein forms A1141T, A1135T.
Identifiers: ClinVar variation 320060 (VCV000320060.57), dbSNP rs201449358, ClinGen allele CA8082571.

ClinVar aggregate classification (germline): Conflicting classifications of pathogenicity. Review status: criteria provided, conflicting classifications (1 of 4 stars). 7 submissions from 7 submitters: Uncertain significance (4); Likely benign (3). Last evaluated 2026-01-18.

Conditions:
CNGB1-related retinopathy. Identifiers: MedGen CN322609, MONDO:0800403.
CNGB1-related disorder. Also called: CNGB1-related condition.
Retinal dystrophy. Also called: Inherited retinal dystrophy. Identifiers: Orphanet 71862, MedGen C0854723, MeSH D058499, MONDO:0019118, HP:0000556.
Retinitis pigmentosa (RP). Identifiers: Orphanet 791, MedGen C0035334, MeSH D012174, MONDO:0019200, OMIM 268000. Inheritance: Autosomal dominant, autosomal recessive and X linked inheritance.

Allele frequency attached by ClinVar (database versions not stated): ESP Exome Variant Server 0.00008; TOPMed 0.00021; gnomAD exomes 0.00035 and 0.00063; 1000 Genomes Project 30x 0.00047; gnomAD 0.00051 and 0.00052; 1000 Genomes Project 0.00060; ExAC 0.00061.
gnomAD v4.1: 591 of 1,614,160 alleles (0.037%); highest among the groups gnomAD compares: East Asian, 0.17%; 2 homozygotes.

Submissions (7):

Labcorp Genetics (formerly Invitae), Labcorp
Classification: Likely benign. Last evaluated: 2026-01-18. Review status: criteria provided, single submitter. Criteria: Invitae Variant Classification Sherloc (09022015). Collection method: clinical testing. Allele origin: germline.

PreventionGenetics, part of Exact Sciences
Classification: Likely benign for CNGB1-related condition. Last evaluated: 2025-08-13. Review status: criteria provided, single submitter. Criteria: ACMG Guidelines, 2015. Collection method: clinical testing. Allele origin: germline.
Comment: This variant is classified as likely benign based on ACMG/AMP sequence variant interpretation guidelines (Richards et al. 2015 PMID: 25741868, with internal and published modifications).

Blueprint Genetics
Classification: Likely benign. Last evaluated: 2024-11-21. Review status: criteria provided, single submitter. Criteria: ACMG Guidelines, 2015. Collection method: clinical testing. Allele origin: germline.

Dept Of Ophthalmology, Nagoya University
Classification: Uncertain significance for Retinal dystrophy. Last evaluated: 2023-10-01. Review status: criteria provided, single submitter. Criteria: Submitter's publication. Collection method: research. Allele origin: germline. Affected: yes.

Department of Pathology and Laboratory Medicine, Sinai Health System
Classification: Uncertain significance for CNGB1-related retinopathy. Last evaluated: 2021-07-30. Review status: criteria provided, single submitter. Criteria: ACMG Guidelines, 2015. Collection method: research. Allele origin: germline.

CeGaT Center for Human Genetics Tuebingen
Classification: Uncertain significance. Last evaluated: 2020-01-01. Review status: criteria provided, single submitter. Criteria: CeGaT Center For Human Genetics Tuebingen Variant Classification Criteria Version 2. Collection method: clinical testing. Allele origin: germline. Affected: yes. Observed: 1 variant allele.

Illumina Laboratory Services, Illumina
Classification: Uncertain significance for Retinitis pigmentosa. Last evaluated: 2018-01-12. Review status: criteria provided, single submitter. Criteria: ICSL Variant Classification Criteria 13 December 2019. Collection method: clinical testing. Allele origin: germline.